The following is an entry in ClinVar:

ClinVar aggregate classification (germline): Uncertain significance (1 of 4 stars; one submission).

gnomAD v4.1: 6 of 1,613,984 alleles (0.00037%); highest among the groups gnomAD compares: African/African-American, 0.008%; no homozygotes.

Submission:

GeneDx
Classification: Uncertain significance. Last evaluated: 2025-04-11. Review status: criteria provided, single submitter. Criteria: GeneDx Variant Classification Process June 2021. Collection method: clinical testing. Allele origin: germline. Affected: yes.
Comment: Not observed at significant frequency in large population cohorts (gnomAD); In silico analysis indicates that this missense variant does not alter protein structure/function; Has not been previously published as pathogenic or benign to our knowledge

NM_003906.5(MCM3AP):c.1900G>C (p.Val634Leu)

Gene: MCM3AP (minichromosome maintenance complex component 3 associated protein; minus strand). Cytogenetic location: 21q22.3.
Variant type: single nucleotide variant.
Coding change: c.1900G>C on transcript NM_003906.5 (MANE Select); coding-DNA position 1900, G replaced by C.
Protein change: p.Val634Leu; replaces valine 634 with leucine.
Molecular consequence: missense variant.
Genome position (GRCh38, 1-based): chr21:46,275,284, C>G on the plus strand (G>C on the coding strand, the complement: MCM3AP is on the minus strand). VCF-style: chr21-46275284-C-G. GRCh37 (hg19) VCF-style: chr21-47695198-C-G.
Other names: short protein forms V634L.
Identifiers: ClinVar variation 4281873 (VCV004281873.1).